The following is an entry in ClinVar:

ClinVar aggregate classification (germline): Benign (0 of 4 stars; one submission).

Conditions:
ST7-related disorder. Also called: ST7-related condition.

Allele frequency attached by ClinVar (database versions not stated): gnomAD exomes 0.19863; ExAC 0.22113; 1000 Genomes Project 0.27157; 1000 Genomes Project 30x 0.27748; gnomAD 0.27830; TOPMed 0.28934; ESP Exome Variant Server 0.30640.
gnomAD v4.1: 324,275 of 1,566,746 alleles (21%); highest among the groups gnomAD compares: African/African-American, 48%; 37,147 homozygotes.

Submission:

PreventionGenetics, part of Exact Sciences
Classification: Benign for ST7-related condition. Last evaluated: 2019-10-22. Review status: no assertion criteria provided. Collection method: clinical testing. Allele origin: germline.
Comment: This variant is classified as benign based on ACMG/AMP sequence variant interpretation guidelines (Richards et al. 2015 PMID: 25741868, with internal and published modifications).

NM_001369598.1(ST7):c.1078+7T>C

Gene: ST7 (suppression of tumorigenicity 7; plus strand). Cytogenetic location: 7q31.2.
Variant type: single nucleotide variant.
Coding change: c.1078+7T>C on transcript NM_001369598.1 (MANE Select); 7 bases into the intron after coding-DNA position 1078, T replaced by C.
Molecular consequence: intron variant.
Genome position (GRCh38, 1-based): chr7:117,170,983, T>C. VCF-style: chr7-117170983-T-C. GRCh37 (hg19) VCF-style: chr7-116811037-T-C.
Other names: c.859+7T>C (NM_001369607.1); c.1078+7T>C (NM_001369601.1, NM_021908.3); c.1009+7T>C (NM_018412.4, NM_001369604.1); c.940+7T>C (NM_001369602.1); c.871+7T>C (NM_001369603.1); c.928+7T>C (NM_001369606.1); c.949+7T>C (NM_001369599.1); c.880+7T>C (NM_001369600.1).
Identifiers: ClinVar variation 3055413 (VCV003055413.2), dbSNP rs193562, ClinGen allele CA4449536.
Genomic context (GRCh38, chr7:117,170,983, plus strand): 5'-TTCTGGAACTACAAGCATATGCTGATGTTCAGGCAGTCTTAGCAAAGTATGATGGTAAGT[T>C]CTTGGGTATTTTTATTTACTTGACTATTCCTCTTTTGATGTATTTTCCCTGATTAGATTA-3'